The following is an entry in ClinVar:

NM_182925.5(FLT4):c.1751del (p.Lys584fs)

Gene: FLT4 (fms related receptor tyrosine kinase 4; minus strand). Cytogenetic location: 5q35.3.
Variant type: Deletion.
Coding change: c.1751del on transcript NM_182925.5 (MANE Select); coding-DNA position 1751, one base deleted (A; older notation c.1751delA).
Protein change: p.Lys584fs; shifts the reading frame from lysine 584.
Molecular consequence: frameshift variant.
Genome position (GRCh38, 1-based): chr5:180,621,811, T deleted on the plus strand (A on the coding strand, the reverse complement: FLT4 is on the minus strand); the first of 2 consecutive T bases (chr5:180,621,811-180,621,812); deleting either gives the same sequence. VCF-style (leftmost placement, unchanged base first): chr5-180621810-CT-C. GRCh37 (hg19) VCF-style: chr5-180048810-CT-C.
Other names: c.1751del, p.Lys584fs (NM_001354989.2, NM_002020.5); short protein forms K584fs.
Identifiers: ClinVar variation 5020034 (VCV005020034.1).
Genomic context (GRCh38, chr5:180,621,810, plus strand): 5'-GTTCCCGTGCGCATCGTGCAGCGTGGACAGGTTGAGGCGGTACCAGCGCAGATGCTCGTA[CT>C]TGTAGCTGTCGGCTTGGCAGCTCAGGAGCACCGGCTGGCCCTCTAGTAGCTCCTCGGATG-3'

ClinVar aggregate classification (germline): Uncertain significance (1 of 4 stars; one submission).

Conditions:
Congenital heart defects, multiple types, 7. Identifiers: MedGen C5394062, MONDO:0032913, OMIM 618780.

Submission:

Juno Genomics, Hangzhou Juno Genomics, Inc
Classification: Uncertain significance for Congenital heart defects, multiple types, 7. Review status: criteria provided, single submitter. Criteria: ACMG Guidelines, 2015. Collection method: clinical testing. Allele origin: germline. Affected: yes.
Comment: Absent from controls (or at extremely low frequency if recessive) in Genome Aggregation Database.;De novo (both maternity and paternity confirmed) in a patient with the disease and no family history.;Null variant in a gene where loss of function (LOF) is a known mechanism of disease.